The following is an entry in ClinVar:

NM_006361.6(HOXB13):c.679C>A (p.Gln227Lys)

Gene: HOXB13 (homeobox B13; minus strand). Cytogenetic location: 17q21.32.
Variant type: single nucleotide variant.
Coding change: c.679C>A on transcript NM_006361.6 (MANE Select); coding-DNA position 679, C replaced by A.
Protein change: p.Gln227Lys; replaces glutamine 227 with lysine.
Molecular consequence: missense variant.
Genome position (GRCh38, 1-based): chr17:48,726,966, G>T on the plus strand (C>A on the coding strand, the complement: HOXB13 is on the minus strand). VCF-style: chr17-48726966-G-T. GRCh37 (hg19) VCF-style: chr17-46804328-G-T.
Other names: short protein forms Q227K.
Identifiers: ClinVar variation 3006064 (VCV003006064.4), dbSNP rs781634127, ClinGen allele CA400106671.

ClinVar aggregate classification (germline): Uncertain significance. Review status: criteria provided, multiple submitters, no conflicts (2 of 4 stars). 2 submissions from 2 submitters: Uncertain significance (2). Last evaluated 2026-05-20.

Conditions:
Hereditary cancer-predisposing syndrome. Also called: Hereditary neoplastic syndrome; Neoplastic Syndromes, Hereditary; Tumor predisposition; Hereditary Cancer Syndrome. Identifiers: Orphanet 140162, MedGen C0027672, MeSH D009386, MONDO:0015356.

Submissions (2):

Ambry Genetics
Classification: Uncertain significance for Hereditary cancer-predisposing syndrome. Last evaluated: 2026-05-20. Review status: criteria provided, single submitter. Criteria: Ambry Variant Classification Scheme 2023. Collection method: clinical testing. Allele origin: germline.
Comment: The p.Q227K variant (also known as c.679C>A), located in coding exon 2 of the HOXB13 gene, results from a C to A substitution at nucleotide position 679. The glutamine at codon 227 is replaced by lysine, an amino acid with similar properties. This amino acid position is highly conserved in available vertebrate species. In addition, this alteration is predicted to be deleterious by in silico analysis. Based on the available evidence, the clinical significance of this variant remains unclear.

Labcorp Genetics (formerly Invitae), Labcorp
Classification: Uncertain significance. Last evaluated: 2023-06-14. Review status: criteria provided, single submitter. Criteria: Invitae Variant Classification Sherloc (09022015). Collection method: clinical testing. Allele origin: germline.
Comment: In summary, the available evidence is currently insufficient to determine the role of this variant in disease. Therefore, it has been classified as a Variant of Uncertain Significance. Advanced modeling of protein sequence and biophysical properties (such as structural, functional, and spatial information, amino acid conservation, physicochemical variation, residue mobility, and thermodynamic stability) performed at Invitae indicates that this missense variant is expected to disrupt HOXB13 protein function. This variant has not been reported in the literature in individuals affected with HOXB13-related conditions. This variant is not present in population databases (gnomAD no frequency). This sequence change replaces glutamine, which is neutral and polar, with lysine, which is basic and polar, at codon 227 of the HOXB13 protein (p.Gln227Lys).